The following is an entry in ClinVar:

NM_001127511.3(APC):c.165+4A>G

Gene: APC (APC regulator of Wnt signaling pathway; plus strand). Cytogenetic location: 5q22.2.
Variant type: single nucleotide variant.
Coding change: c.165+4A>G on transcript NM_001127511.3; 4 bases into the intron after coding-DNA position 165, A replaced by G.
Molecular consequence: intron variant.
Genome position (GRCh38, 1-based): chr5:112,707,886, A>G. VCF-style: chr5-112707886-A-G. GRCh37 (hg19) VCF-style: chr5-112043583-A-G.
Other names: c.-1054+4A>G (NM_001407470.1, NM_001407472.1); c.-19+4A>G (NM_001407447.1, NM_001354895.2, NM_001407456.1 and 3 more transcripts); c.165+4A>G (NM_001407446.1, NM_001354897.2, NM_001354902.2); c.-19+237A>G (NM_001407448.1, NM_001407450.1, NM_001407457.1 and 1 more transcripts); c.-43+237A>G (NM_001407453.1).
Identifiers: ClinVar variation 1026624 (VCV001026624.9), dbSNP rs1750618752, ClinGen allele CA1573442815.
Genomic context (GRCh38, chr5:112,707,886, plus strand): 5'-GAGACGAAGAGCCCGGGCGGCGCTCGTACTTCTGGCCACTGGGCGAGCGTCTGGCAGGTG[A>G]GTGAGGCTGCAGGCATTGACGTCTCCTCCCGGCAAAGCTTCCTCGGCTTTGCCCCGCCGC-3'

ClinVar aggregate classification (germline): Uncertain significance (1 of 4 stars; one submission).

Conditions:
Familial adenomatous polyposis 1 (FAP1). Also called: FAMILIAL ADENOMATOUS POLYPOSIS 1, ATTENUATED; POLYPOSIS, ADENOMATOUS INTESTINAL. Identifiers: MedGen C2713442, MONDO:0021056, OMIM 175100. Disease mechanism: loss of function.

Allele frequency attached by ClinVar (database versions not stated): gnomAD exomes 0.00002.
gnomAD v4.1: 14 of 1,367,400 alleles (0.001%); highest among the groups gnomAD compares: Non-Finnish European, 0.0013%; no homozygotes.

Submission:

Labcorp Genetics (formerly Invitae), Labcorp
Classification: Uncertain significance for Familial adenomatous polyposis 1. Last evaluated: 2025-11-17. Review status: criteria provided, single submitter. Criteria: Invitae Variant Classification Sherloc (09022015). Collection method: clinical testing. Allele origin: germline.
Comment: This variant occurs in a non-coding region of the APC gene. It does not change the encoded amino acid sequence of the APC protein. This variant is not present in population databases (gnomAD no frequency). This variant has not been reported in the literature in individuals affected with APC-related conditions. Experimental studies and prediction algorithms are not available or were not evaluated, and the functional significance of this variant is currently unknown. In summary, the available evidence is currently insufficient to determine the role of this variant in disease. Therefore, it has been classified as a Variant of Uncertain Significance.